The following is an entry in ClinVar:

ClinVar aggregate classification (germline): Conflicting classifications of pathogenicity. Review status: criteria provided, conflicting classifications (1 of 4 stars). 2 submissions from 2 submitters: Likely pathogenic (1); Uncertain significance (1). Last evaluated 2026-05-22.

Conditions:
Incidental Discovery. Identifiers: MedGen C1135954.
Lymphatic malformation 7 (LMPHM7). Also called: Hydrops fetalis, nonimmune, and/or atrial septal defect, susceptibility to. Identifiers: MedGen C4310629, MONDO:0015009, OMIM 617300.
Capillary malformation-arteriovenous malformation 2 (CMAVM2). Identifiers: Orphanet 693912, MedGen C4748670, MONDO:0020785, OMIM 618196.

gnomAD v4.1: 1 of 1,613,850 alleles (0.000062%); highest among the groups gnomAD compares: Non-Finnish European, 0.000085%; no homozygotes.

Submissions (2):

Clinical Genetics Laboratory, Skane University Hospital Lund
Classification: Uncertain significance for Incidental Discovery. Last evaluated: 2026-05-22. Review status: criteria provided, single submitter. Criteria: ACMG Guidelines, 2015. Collection method: clinical testing. Allele origin: germline.
Comment: Incidental finding. ACMG criteria applied: PS3_supporting, PS4_supporting, PM2, PP3.

Obstetrics Unit, Tongji Hospital, Huazhong University of Science and Technology
Classification: Likely pathogenic for Capillary malformation-arteriovenous malformation 2; Lymphatic malformation 7. Last evaluated: 2024-12-25. Review status: criteria provided, single submitter. Criteria: ACMG Guidelines, 2015. Collection method: clinical testing. Allele origin: de novo. Affected: yes.
Comment: EPHB4:NM_004444.5:exon13:c.2231G>A:p.R744H variant: possibly pathogenic (PS2+PM1+PM2+PP3) Strong pathogenicity evidence PS2: the variant is a de novo variant verified by both parents in a family sample; Moderate pathogenicity evidence PM1: the variant occurs in the Protein kinase domain; catalytic domain; catalytic domain functional structural domain; Moderate pathogenicity evidence PM2: the variant was identified in the Human Exome Database (ExAC), Reference Population Thousand Genomes (1000G) and the Population Genome Mutation Frequency Database (gnomAD); Evidence in favor of pathogenicity PP3: Predicted by multiple statistical methods (REVEL), the results show that the variant causes deleterious effects on genes or gene products; Disease characterization consistent with the phenotype of this case: partial match Mutations in the gene EPHB4 (OMIM:600011) cause the autosomal dominant disorder Capillary malformationarteriovenous malformation 2 (capillary malformation-arteriovenous malformation type 2) (OMIM:618196) and the autosomal dominant Lymphatic malformation 7 (lymphatic malformation) Lymphatic malformation 7 (OMIM:617300).

NM_004444.5(EPHB4):c.2231G>A (p.Arg744His)

Gene: EPHB4 (EPH receptor B4; minus strand). Cytogenetic location: 7q22.1.
Variant type: single nucleotide variant.
Coding change: c.2231G>A on transcript NM_004444.5 (MANE Select); coding-DNA position 2231, G replaced by A.
Protein change: p.Arg744His; replaces arginine 744 with histidine.
Molecular consequence: missense variant.
Genome position (GRCh38, 1-based): chr7:100,807,468, C>T on the plus strand (G>A on the coding strand, the complement: EPHB4 is on the minus strand). VCF-style: chr7-100807468-C-T. GRCh37 (hg19) VCF-style: chr7-100405090-C-T.
Other names: short protein forms R744H.
Identifiers: ClinVar variation 3600344 (VCV003600344.2).